The following is an entry in ClinVar:

ClinVar aggregate classification (germline): Uncertain significance (1 of 4 stars; one submission).

Conditions:
Joubert syndrome. Also called: CEREBELLOPARENCHYMAL DISORDER IV; JOUBERT-BOLTSHAUSER SYNDROME; Familial aplasia of the vermis. Identifiers: Orphanet 475, MedGen C5979921, MONDO:0018772.

Submission:

Labcorp Genetics (formerly Invitae), Labcorp
Classification: Uncertain significance for Joubert syndrome. Last evaluated: 2022-04-09. Review status: criteria provided, single submitter. Criteria: Invitae Variant Classification Sherloc (09022015). Collection method: clinical testing. Allele origin: germline.
Comment: This sequence change replaces tyrosine, which is neutral and polar, with cysteine, which is neutral and slightly polar, at codon 634 of the AHI1 protein (p.Tyr634Cys). This variant is not present in population databases (gnomAD no frequency). This variant has not been reported in the literature in individuals affected with AHI1-related conditions. Advanced modeling of protein sequence and biophysical properties (such as structural, functional, and spatial information, amino acid conservation, physicochemical variation, residue mobility, and thermodynamic stability) performed at Invitae indicates that this missense variant is expected to disrupt AHI1 protein function. In summary, the available evidence is currently insufficient to determine the role of this variant in disease. Therefore, it has been classified as a Variant of Uncertain Significance.

NM_001134831.2(AHI1):c.1901A>G (p.Tyr634Cys)

Gene: AHI1 (Abelson helper integration site 1; minus strand). Cytogenetic location: 6q23.3.
Variant type: single nucleotide variant.
Coding change: c.1901A>G on transcript NM_001134831.2 (MANE Select); coding-DNA position 1901, A replaced by G.
Protein change: p.Tyr634Cys; replaces tyrosine 634 with cysteine.
Molecular consequence: missense variant.
Genome position (GRCh38, 1-based): chr6:135,442,593, T>C on the plus strand (A>G on the coding strand, the complement: AHI1 is on the minus strand). VCF-style: chr6-135442593-T-C. GRCh37 (hg19) VCF-style: chr6-135763731-T-C.
Other names: c.1901A>G, p.Tyr634Cys (NM_001134830.2, NM_001134832.2, NM_001350503.2 and 2 more transcripts); short protein forms Y634C.
Identifiers: ClinVar variation 1924299 (VCV001924299.5), dbSNP rs2484717398, ClinGen allele CA365744435.